The following is an entry in ClinVar:

ClinVar aggregate classification (germline): Uncertain significance (1 of 4 stars; one submission).

Submission:

GeneDx
Classification: Uncertain significance. Last evaluated: 2024-11-30. Review status: criteria provided, single submitter. Criteria: GeneDx Variant Classification Process June 2021. Collection method: clinical testing. Allele origin: germline.
Comment: Not observed at significant frequency in large population cohorts (gnomAD); In silico analysis supports that this missense variant has a deleterious effect on protein structure/function; Has not been previously published as pathogenic or benign to our knowledge; Occurs in the triple helical domain at the Y position in the canonical Gly-X-Y repeat; although this variant may have an effect on normal protein folding and function, missense substitution at the Y position is not a common mechanism of disease (HGMD)

NM_000090.4(COL3A1):c.2472A>T (p.Lys824Asn)

Gene: COL3A1 (collagen type III alpha 1 chain; plus strand). Cytogenetic location: 2q32.2.
Variant type: single nucleotide variant.
Coding change: c.2472A>T on transcript NM_000090.4 (MANE Select); coding-DNA position 2472, A replaced by T.
Protein change: p.Lys824Asn; replaces lysine 824 with asparagine.
Molecular consequence: missense variant.
Genome position (GRCh38, 1-based): chr2:189,002,981, A>T. VCF-style: chr2-189002981-A-T. GRCh37 (hg19) VCF-style: chr2-189867707-A-T.
Other names: short protein forms K824N.
Identifiers: ClinVar variation 3360009 (VCV003360009.2).